The following is an entry in ClinVar:

NM_001130823.3(DNMT1):c.2620dup (p.Asp874fs)

Gene: DNMT1 (DNA methyltransferase 1; minus strand). Cytogenetic location: 19p13.2.
Variant type: Duplication.
Coding change: c.2620dup on transcript NM_001130823.3 (MANE Select); coding-DNA position 2620, one base duplicated (G; older notation c.2620dupG).
Protein change: p.Asp874fs; shifts the reading frame from aspartic acid 874.
Molecular consequence: frameshift variant.
Genome position (GRCh38, 1-based): chr19:10,148,984, C duplicated on the plus strand (G on the coding strand, the reverse complement: DNMT1 is on the minus strand); the first of 5 consecutive C bases (chr19:10,148,984-10,148,988); duplicating any one gives the same sequence. VCF-style (leftmost placement, unchanged base first): chr19-10148983-T-TC. GRCh37 (hg19) VCF-style: chr19-10259659-T-TC.
Other names: c.2572dup, p.Asp858fs (NM_001318730.2, NM_001379.4); c.2257dup, p.Asp753fs (NM_001318731.2); short protein forms D858fs, D874fs, D753fs.
Identifiers: ClinVar variation 3084812 (VCV003084812.1), dbSNP rs2513805727, ClinGen allele CA2825002734.

ClinVar aggregate classification (germline): Uncertain significance (1 of 4 stars; one submission).

Conditions:
Inborn genetic diseases. Identifiers: MedGen C0950123, MeSH D030342.

Submission:

Ambry Genetics
Classification: Uncertain significance for Inborn genetic diseases. Last evaluated: 2023-12-21. Review status: criteria provided, single submitter. Criteria: Ambry Variant Classification Scheme 2023. Collection method: clinical testing. Allele origin: germline.
Comment: Loss of function has not been established as a mechanism of disease Based on insufficient or conflicting evidence, the clinical significance of this alteration remains unclear.